The following is an entry in ClinVar:

NM_212482.4(FN1):c.3143T>C (p.Val1048Ala)

Gene: FN1 (fibronectin 1; minus strand). Cytogenetic location: 2q35.
Variant type: single nucleotide variant.
Coding change: c.3143T>C on transcript NM_212482.4 (MANE Select); coding-DNA position 3143, T replaced by C.
Protein change: p.Val1048Ala; replaces valine 1048 with alanine.
Molecular consequence: missense variant.
Genome position (GRCh38, 1-based): chr2:215,404,499, A>G on the plus strand (T>C on the coding strand, the complement: FN1 is on the minus strand). VCF-style: chr2-215404499-A-G. GRCh37 (hg19) VCF-style: chr2-216269222-A-G.
Other names: c.3143T>C, p.Val1048Ala (NM_001306129.2, NM_001306130.2, NM_001306131.2 and 13 more transcripts); short protein forms V1048A.
Identifiers: ClinVar variation 1495273 (VCV001495273.8), dbSNP rs1433400331, ClinGen allele CA350489280.

ClinVar aggregate classification (germline): Uncertain significance (1 of 4 stars; one submission).

Allele frequency attached by ClinVar (database versions not stated): gnomAD exomes 0.00001.
gnomAD v4.1: 2 of 1,614,034 alleles (0.00012%); highest among the groups gnomAD compares: Admixed American, 0.0033%; no homozygotes.

Submission:

Labcorp Genetics (formerly Invitae), Labcorp
Classification: Uncertain significance. Last evaluated: 2023-08-04. Review status: criteria provided, single submitter. Criteria: Invitae Variant Classification Sherloc (09022015). Collection method: clinical testing. Allele origin: germline.
Comment: This sequence change replaces valine, which is neutral and non-polar, with alanine, which is neutral and non-polar, at codon 1048 of the FN1 protein (p.Val1048Ala). This variant is present in population databases (no rsID available, gnomAD 0.006%). This variant has not been reported in the literature in individuals affected with FN1-related conditions. ClinVar contains an entry for this variant (Variation ID: 1495273). Advanced modeling of protein sequence and biophysical properties (such as structural, functional, and spatial information, amino acid conservation, physicochemical variation, residue mobility, and thermodynamic stability) performed at Invitae indicates that this missense variant is not expected to disrupt FN1 protein function. In summary, the available evidence is currently insufficient to determine the role of this variant in disease. Therefore, it has been classified as a Variant of Uncertain Significance.